The following is an entry in ClinVar:

ClinVar aggregate classification (germline): Uncertain significance (1 of 4 stars; one submission).

Submission:

Labcorp Genetics (formerly Invitae), Labcorp
Classification: Uncertain significance. Last evaluated: 2025-12-16. Review status: criteria provided, single submitter. Criteria: Invitae Variant Classification Sherloc (09022015). Collection method: clinical testing. Allele origin: germline.
Comment: This sequence change replaces serine, which is neutral and polar, with threonine, which is neutral and polar, at codon 823 of the EMC1 protein (p.Ser823Thr). This variant is not present in population databases (gnomAD no frequency). This variant has not been reported in the literature in individuals affected with EMC1-related conditions. Invitae Evidence Modeling of protein sequence and biophysical properties (such as structural, functional, and spatial information, amino acid conservation, physicochemical variation, residue mobility, and thermodynamic stability) indicates that this missense variant is not expected to disrupt EMC1 protein function with a negative predictive value of 80%. In summary, the available evidence is currently insufficient to determine the role of this variant in disease. Therefore, it has been classified as a Variant of Uncertain Significance.

NM_015047.3(EMC1):c.2468G>C (p.Ser823Thr)

Genes: EMC1 (ER membrane protein complex subunit 1; minus strand), EMC1-AS1 (EMC1 antisense RNA 1; plus strand). Cytogenetic location: 1p36.13.
Variant type: single nucleotide variant.
Coding change: c.2468G>C on transcript NM_015047.3 (MANE Select); coding-DNA position 2468, G replaced by C.
Protein change: p.Ser823Thr; replaces serine 823 with threonine.
Molecular consequence: missense variant.
Genome position (GRCh38, 1-based): chr1:19,222,743, C>G on the plus strand (G>C on the coding strand, the complement: EMC1 is on the minus strand). VCF-style: chr1-19222743-C-G. GRCh37 (hg19) VCF-style: chr1-19549237-C-G.
Other names: c.2465G>C, p.Ser822Thr (NM_001271427.2, NM_001271428.2); c.2402G>C, p.Ser801Thr (NM_001271429.2); c.2477G>C, p.Ser826Thr (NM_001375820.1); c.2474G>C, p.Ser825Thr (NM_001375821.1); short protein forms S822T, S825T, S801T, S823T, S826T.
Identifiers: ClinVar variation 4743251 (VCV004743251.1).